The following is an entry in ClinVar:

NM_004563.4(PCK2):c.799C>G (p.Arg267Gly)

Genes: PCK2 (phosphoenolpyruvate carboxykinase 2, mitochondrial; plus strand), NRL (neural retina leucine zipper; minus strand). Cytogenetic location: 14q11.2.
Variant type: single nucleotide variant.
Coding change: c.799C>G on transcript NM_004563.4 (MANE Select); coding-DNA position 799, C replaced by G.
Protein change: p.Arg267Gly; replaces arginine 267 with glycine.
Molecular consequence: missense variant. On other transcripts: intron variant (3).
Genome position (GRCh38, 1-based): chr14:24,099,183, C>G. VCF-style: chr14-24099183-C-G. GRCh37 (hg19) VCF-style: chr14-24568392-C-G.
Other names: c.799C>G, p.Arg267Gly (NM_001018073.3); c.397C>G, p.Arg133Gly (NM_001291556.2, NM_001308054.2); c.-28+15539G>C (NM_001354768.3, NM_001354770.2); c.-253-14438G>C (NM_006177.5); short protein forms R133G, R267G.
Identifiers: ClinVar variation 2064927 (VCV002064927.4), dbSNP rs202246749, ClinGen allele CA7123229.

ClinVar aggregate classification (germline): Uncertain significance (1 of 4 stars; one submission).

gnomAD v4.1: 53 of 1,607,302 alleles (0.0033%); highest among the groups gnomAD compares: Admixed American, 0.005%; no homozygotes.

Submission:

Labcorp Genetics (formerly Invitae), Labcorp
Classification: Uncertain significance. Last evaluated: 2025-10-18. Review status: criteria provided, single submitter. Criteria: Invitae Variant Classification Sherloc (09022015). Collection method: clinical testing. Allele origin: germline.
Comment: This sequence change replaces arginine, which is basic and polar, with glycine, which is neutral and non-polar, at codon 267 of the PCK2 protein (p.Arg267Gly). This variant is present in population databases (rs202246749, gnomAD 0.007%). This variant has not been reported in the literature in individuals affected with PCK2-related conditions. ClinVar contains an entry for this variant (Variation ID: 2064927). Invitae Evidence Modeling of protein sequence and biophysical properties (such as structural, functional, and spatial information, amino acid conservation, physicochemical variation, residue mobility, and thermodynamic stability) indicates that this missense variant is expected to disrupt PCK2 protein function with a positive predictive value of 80%. In summary, the available evidence is currently insufficient to determine the role of this variant in disease. Therefore, it has been classified as a Variant of Uncertain Significance.